The following is an entry in ClinVar:

NM_025099.6(CTC1):c.500C>T (p.Pro167Leu)

Gene: CTC1 (CST telomere replication complex component 1; minus strand). Cytogenetic location: 17p13.1.
Variant type: single nucleotide variant.
Coding change: c.500C>T on transcript NM_025099.6 (MANE Select); coding-DNA position 500, C replaced by T.
Protein change: p.Pro167Leu; replaces proline 167 with leucine.
Molecular consequence: missense variant. On other transcripts: non-coding transcript variant (1).
Genome position (GRCh38, 1-based): chr17:8,238,178, G>A on the plus strand (C>T on the coding strand, the complement: CTC1 is on the minus strand). VCF-style: chr17-8238178-G-A. GRCh37 (hg19) VCF-style: chr17-8141496-G-A.
Other names: short protein forms P167L.
Identifiers: ClinVar variation 1394293 (VCV001394293.9), dbSNP rs1390966539, ClinGen allele CA397992800.
Genomic context (GRCh38, chr17:8,238,178, plus strand): 5'-GGCACAGGGGCATCCCACAGCTCCAAGTGCCCTTCCCCTGAGGAATTCCACCTGGCAGGA[G>A]GGAGGTAACTCCAACGGGGGAACAGAAAAAGATGGCCCAACCAAGAAAGGTCCAGGTCTA-3'
Protein context (NP_079375.3, residues 157-177): LFLFPRWSYL[Pro167Leu]PARWNSSGEG

ClinVar aggregate classification (germline): Uncertain significance. Review status: criteria provided, multiple submitters, no conflicts (2 of 4 stars). 4 submissions from 4 submitters: Uncertain significance (4). Last evaluated 2023-01-05.

Conditions:
Inborn genetic diseases. Identifiers: MedGen C0950123, MeSH D030342.
Cerebroretinal microangiopathy with calcifications and cysts 1 (CRMCC1). Identifiers: Orphanet 313838, MedGen C4552029, MONDO:0024564, OMIM 612199.
Dyskeratosis congenita. Identifiers: Orphanet 1775, MedGen C0265965, MONDO:0015780.

Allele frequency attached by ClinVar (database versions not stated): gnomAD 0.00002; TOPMed 0.00002.
gnomAD v4.1: 7 of 1,613,876 alleles (0.00043%); highest among the groups gnomAD compares: Non-Finnish European, 0.00059%; no homozygotes.

Submissions (4):

Labcorp Genetics (formerly Invitae), Labcorp
Classification: Uncertain significance for Dyskeratosis congenita. Last evaluated: 2023-01-05. Review status: criteria provided, single submitter. Criteria: Invitae Variant Classification Sherloc (09022015). Collection method: clinical testing. Allele origin: germline.
Comment: In summary, the available evidence is currently insufficient to determine the role of this variant in disease. Therefore, it has been classified as a Variant of Uncertain Significance. Advanced modeling of protein sequence and biophysical properties (such as structural, functional, and spatial information, amino acid conservation, physicochemical variation, residue mobility, and thermodynamic stability) performed at Invitae indicates that this missense variant is expected to disrupt CTC1 protein function. ClinVar contains an entry for this variant (Variation ID: 1394293). This variant has not been reported in the literature in individuals affected with CTC1-related conditions. This variant is not present in population databases (gnomAD no frequency). This sequence change replaces proline, which is neutral and non-polar, with leucine, which is neutral and non-polar, at codon 167 of the CTC1 protein (p.Pro167Leu).

Ambry Genetics
Classification: Uncertain significance for Inborn genetic diseases. Last evaluated: 2022-06-03. Review status: criteria provided, single submitter. Criteria: Ambry Variant Classification Scheme 2023. Collection method: clinical testing. Allele origin: germline.

GeneDx
Classification: Uncertain significance. Last evaluated: 2022-05-26. Review status: criteria provided, single submitter. Criteria: GeneDx Variant Classification Process June 2021. Collection method: clinical testing. Allele origin: germline. Affected: yes.
Comment: Not observed at significant frequency in large population cohorts (gnomAD); In silico analysis supports that this missense variant has a deleterious effect on protein structure/function; Has not been previously published as pathogenic or benign to our knowledge

Fulgent Genetics
Classification: Uncertain significance for Cerebroretinal microangiopathy with calcifications and cysts 1. Last evaluated: 2022-04-20. Review status: criteria provided, single submitter. Criteria: ACMG Guidelines, 2015. Collection method: clinical testing. Allele origin: unknown.